The following is an entry in ClinVar:

ClinVar aggregate classification (germline): Uncertain significance (1 of 4 stars; one submission).

Conditions:
Autosomal recessive limb-girdle muscular dystrophy type 2J (LGMDR10). Also called: Limb-girdle muscular dystrophy, type 2J; MUSCULAR DYSTROPHY, LIMB-GIRDLE, AUTOSOMAL RECESSIVE 10. Identifiers: Orphanet 140922, MedGen C1837342, MONDO:0012127, OMIM 608807.
Dilated cardiomyopathy 1G (CMD1G). Identifiers: Orphanet 154, MedGen C1858763, MONDO:0011400, OMIM 604145.

Allele frequency attached by ClinVar (database versions not stated): gnomAD exomes below 0.00001.
gnomAD v4.1: 2 of 1,614,112 alleles (0.00012%); highest among the groups gnomAD compares: East Asian, 0.0022%; no homozygotes.

Submission:

Labcorp Genetics (formerly Invitae), Labcorp
Classification: Uncertain significance for Dilated cardiomyopathy 1G; Autosomal recessive limb-girdle muscular dystrophy type 2J. Last evaluated: 2025-07-20. Review status: criteria provided, single submitter. Criteria: Invitae Variant Classification Sherloc (09022015). Collection method: clinical testing. Allele origin: germline.
Comment: This sequence change falls in intron 14 of the TTN gene. It does not directly change the encoded amino acid sequence of the TTN protein. It affects a nucleotide within the consensus splice site. This variant is not present in population databases (gnomAD no frequency). This variant has not been reported in the literature in individuals affected with TTN-related conditions. ClinVar contains an entry for this variant (Variation ID: 2417073). Variants that disrupt the consensus splice site are a relatively common cause of aberrant splicing (PMID: 17576681, 9536098). Algorithms developed to predict the effect of sequence changes on RNA splicing suggest that this variant may disrupt the consensus splice site. This variant is located in the Z band of TTN (PMID: 25589632). Variants in this region may be clinically relevant, but have not been definitively shown to cause cardiomyopathy or neuromuscular disease (PMID: 27493940, 32778822).“ In summary, the available evidence is currently insufficient to determine the role of this variant in disease. Therefore, it has been classified as a Variant of Uncertain Significance.

Literature cited by the submitters: PubMed 17576681; PubMed 9536098; PubMed 25589632; PubMed 27493940; PubMed 32778822.

NM_001267550.2(TTN):c.2370+5G>A

Gene: TTN (titin; minus strand). Cytogenetic location: 2q31.2.
Variant type: single nucleotide variant.
Coding change: c.2370+5G>A on transcript NM_001267550.2 (MANE Select); 5 bases into the intron after coding-DNA position 2370, G replaced by A.
Molecular consequence: intron variant.
Genome position (GRCh38, 1-based): chr2:178,785,843, C>T on the plus strand (G>A on the coding strand, the complement: TTN is on the minus strand). VCF-style: chr2-178785843-C-T. GRCh37 (hg19) VCF-style: chr2-179650570-C-T.
Other names: c.2232+5G>A (NM_003319.4, NM_133437.4, NM_133432.3); c.2370+5G>A (NM_133378.4, NM_001256850.1, NM_133379.5).
Identifiers: ClinVar variation 2417073 (VCV002417073.8), dbSNP rs1554022409, ClinGen allele CA2580065189.